The following is an entry in ClinVar:

ClinVar aggregate classification (germline): Uncertain significance (1 of 4 stars; one submission).

Conditions:
Fanconi anemia (FA). Also called: Fanconi's anemia. Identifiers: Orphanet 84, MedGen C0015625, MeSH D005199, MONDO:0019391.

Submission:

Labcorp Genetics (formerly Invitae), Labcorp
Classification: Uncertain significance for Fanconi anemia. Last evaluated: 2022-03-14. Review status: criteria provided, single submitter. Criteria: Invitae Variant Classification Sherloc (09022015). Collection method: clinical testing. Allele origin: germline.
Comment: This variant results in a copy number gain of the genomic region encompassing exon(s) 9-43 of the FANCA gene. This region includes the termination codon of the gene. This copy number gain extends beyond the assayed region for this gene and therefore may encompass additional genes. As the precise location of this event is unknown, it may be in tandem or it may be located elsewhere in the genome. This variant has not been reported in the literature in individuals affected with FANCA-related conditions. Experimental studies and prediction algorithms are not available or were not evaluated, and the functional significance of this variant is currently unknown. In summary, the available evidence is currently insufficient to determine the role of this variant in disease. Therefore, it has been classified as a Variant of Uncertain Significance.

NC_000016.9:g.(?_89805009)_(89866066_?)dup

Genes: FANCA (FA complementation group A; minus strand), ZNF276 (zinc finger protein 276; plus strand). Cytogenetic location: 16q24.3.
Variant type: Duplication.
Identifiers: ClinVar variation 2422435 (VCV002422435.3).